The following is an entry in ClinVar:

ClinVar aggregate classification (germline): Uncertain significance (1 of 4 stars; one submission).

Conditions:
Epileptic encephalopathy. Identifiers: MedGen C0543888, HP:0200134.

Allele frequency attached by ClinVar (database versions not stated): TOPMed below 0.00001; gnomAD 0.00001; gnomAD exomes 0.00001.
gnomAD v4.1: 12 of 1,612,876 alleles (0.00074%); highest among the groups gnomAD compares: African/African-American, 0.0013%; no homozygotes.

Submission:

Labcorp Genetics (formerly Invitae), Labcorp
Classification: Uncertain significance for Epileptic encephalopathy. Last evaluated: 2025-05-18. Review status: criteria provided, single submitter. Criteria: Invitae Variant Classification Sherloc (09022015). Collection method: clinical testing. Allele origin: germline.
Comment: This sequence change replaces histidine, which is basic and polar, with arginine, which is basic and polar, at codon 73 of the FASN protein (p.His73Arg). This variant is present in population databases (no rsID available, gnomAD 0.003%). This variant has not been reported in the literature in individuals affected with FASN-related conditions. ClinVar contains an entry for this variant (Variation ID: 1423226). An algorithm developed to predict the effect of missense changes on protein structure and function (PolyPhen-2) suggests that this variant is likely to be tolerated. In summary, the available evidence is currently insufficient to determine the role of this variant in disease. Therefore, it has been classified as a Variant of Uncertain Significance.

NM_004104.5(FASN):c.218A>G (p.His73Arg)

Gene: FASN (fatty acid synthase; minus strand). Cytogenetic location: 17q25.3.
Variant type: single nucleotide variant.
Coding change: c.218A>G on transcript NM_004104.5 (MANE Select); coding-DNA position 218, A replaced by G.
Protein change: p.His73Arg; replaces histidine 73 with arginine.
Molecular consequence: missense variant.
Genome position (GRCh38, 1-based): chr17:82,095,382, T>C on the plus strand (A>G on the coding strand, the complement: FASN is on the minus strand). VCF-style: chr17-82095382-T-C. GRCh37 (hg19) VCF-style: chr17-80053258-T-C.
Other names: short protein forms H73R.
Identifiers: ClinVar variation 1423226 (VCV001423226.6), dbSNP rs1370108551, ClinGen allele CA401566152.